The following is an entry in ClinVar:

NM_005026.5(PIK3CD):c.1379G>A (p.Arg460His)

Genes: PIK3CD (phosphatidylinositol-4,5-bisphosphate 3-kinase catalytic subunit delta; plus strand), LOC126805612 (MED14-independent group 3 enhancer GRCh37_chr1:9778914-9780113; plus strand). Cytogenetic location: 1p36.22.
Variant type: single nucleotide variant.
Coding change: c.1379G>A on transcript NM_005026.5 (MANE Select); coding-DNA position 1379, G replaced by A.
Protein change: p.Arg460His; replaces arginine 460 with histidine.
Molecular consequence: missense variant.
Genome position (GRCh38, 1-based): chr1:9,720,151, G>A. VCF-style: chr1-9720151-G-A. GRCh37 (hg19) VCF-style: chr1-9780209-G-A.
Other names: c.1379G>A (LRG_191t1); c.1379G>A, p.Arg460His (NM_001350234.2); c.1292G>A, p.Arg431His (NM_001350235.1); short protein forms R460H, R431H.
Identifiers: ClinVar variation 541082 (VCV000541082.13), dbSNP rs373779625, ClinGen allele CA577184.

ClinVar aggregate classification (germline): Uncertain significance. Review status: criteria provided, multiple submitters, no conflicts (2 of 4 stars). 3 submissions from 3 submitters: Uncertain significance (3). Last evaluated 2025-09-16.

Conditions:
Inborn genetic diseases. Identifiers: MedGen C0950123, MeSH D030342.
Immunodeficiency 14 (IMD14A). Also called: IMMUNODEFICIENCY 14A WITH LYMPHOPROLIFERATION, AUTOSOMAL DOMINANT; Activated PI3K Delta Syndrome Type 1 (APDS1); p110-DELTA-ACTIVATING MUTATION CAUSING SENESCENT T CELLS, LYMPHADENOPATHY, AND IMMUNODEFICIENCY; ACTIVATED PI3K-DELTA SYNDROME 1. Identifiers: Orphanet 397596, Orphanet 693661, MedGen C5907821, MONDO:0014222, OMIM 615513.

Allele frequency attached by ClinVar (database versions not stated): ExAC 0.00003; ESP Exome Variant Server 0.00008; 1000 Genomes Project 0.00020; gnomAD exomes 0.00003; gnomAD 0.00007 and 0.00006; 1000 Genomes Project 30x 0.00016; TOPMed 0.00006.
gnomAD v4.1: 162 of 1,613,202 alleles (0.01%); highest among the groups gnomAD compares: Middle Eastern, 0.016%; no homozygotes.

Submissions (3):

Labcorp Genetics (formerly Invitae), Labcorp
Classification: Uncertain significance for Activated PI3K-delta syndrome. Last evaluated: 2025-09-16. Review status: criteria provided, single submitter. Criteria: Invitae Variant Classification Sherloc (09022015). Collection method: clinical testing. Allele origin: germline.
Comment: This sequence change replaces arginine, which is basic and polar, with histidine, which is basic and polar, at codon 460 of the PIK3CD protein (p.Arg460His). This variant is present in population databases (rs373779625, gnomAD 0.005%). This variant has not been reported in the literature in individuals affected with PIK3CD-related conditions. ClinVar contains an entry for this variant (Variation ID: 541082). Invitae Evidence Modeling of protein sequence and biophysical properties (such as structural, functional, and spatial information, amino acid conservation, physicochemical variation, residue mobility, and thermodynamic stability) has been performed for this missense variant. However, the output from this modeling did not meet the statistical confidence thresholds required to predict the impact of this variant on PIK3CD protein function. In summary, the available evidence is currently insufficient to determine the role of this variant in disease. Therefore, it has been classified as a Variant of Uncertain Significance.

Ambry Genetics
Classification: Uncertain significance for Inborn genetic diseases. Last evaluated: 2024-05-10. Review status: criteria provided, single submitter. Criteria: Ambry Variant Classification Scheme 2023. Collection method: clinical testing. Allele origin: germline.

Genetics and Molecular Pathology, SA Pathology
Classification: Uncertain significance for Immunodeficiency 14. Last evaluated: 2022-08-24. Review status: criteria provided, single submitter. Criteria: ACMG Guidelines, 2015. Collection method: clinical testing. Allele origin: germline. Inheritance: Autosomal dominant inheritance. Affected: yes.